The following is an entry in ClinVar:

ClinVar aggregate classification (germline): Conflicting classifications of pathogenicity. Review status: criteria provided, conflicting classifications (1 of 4 stars). 7 submissions from 7 submitters: Likely pathogenic (4); Uncertain significance (3). Last evaluated 2026-02-23.

Conditions:
PMM2-congenital disorder of glycosylation. Also called: PHOSPHOMANNOMUTASE 2 DEFICIENCY; CARBOHYDRATE-DEFICIENT GLYCOPROTEIN SYNDROME, TYPE Ia; PMM2-CDG; CDG Ia; JAEKEN SYNDROME; Congenital disorder of glycosylation, type Ia. Identifiers: Orphanet 79318, MedGen C0349653, MONDO:0008907, OMIM 212065.
PMM2-related disorder. Also called: PMM2-related condition.

Allele frequency attached by ClinVar (database versions not stated): ExAC 0.00005; ESP Exome Variant Server 0.00008; gnomAD 0.00010; 1000 Genomes Project 30x 0.00016; 1000 Genomes Project 0.00020.
gnomAD v4.1: 68 of 1,611,708 alleles (0.0042%); highest among the groups gnomAD compares: Non-Finnish European, 0.0055%; no homozygotes.

Submissions (7):

Myriad Genetics, Inc.
Classification: Likely pathogenic for PMM2-congenital disorder of glycosylation. Last evaluated: 2026-02-23. Review status: criteria provided, single submitter. Criteria: Myriad Autosomal Dominant, Autosomal Recessive and X-Linked Classification Criteria (2023). Collection method: clinical testing. Allele origin: unknown.
Comment: NM_000303.2(PMM2):c.140C>T(S47L) is a missense variant classified as likely pathogenic in the context of congenital disorder of glycosylation, PMM2-related. S47L has been observed in cases with relevant disease (PMID: 40121796, 39633515, 33726816, 41437099, 33743737, 40121796, 39105373, 38587076, 40225925, 36719165, 37257447, 37224763, 34652821, 33413482, 32635232, Cushing_2009_(Abstract)). Relevant functional assessments of this variant are not available in the literature. S47L has been observed in referenced population frequency databases. Please note: this variant was assessed in the context of healthy population screening.

Natera, Inc.
Classification: Likely pathogenic for Congenital disorder of glycosylation type 1a. Last evaluated: 2025-06-12. Review status: criteria provided, single submitter. Criteria: Natera Variant Classification Schema (03/2026). Collection method: clinical testing. Allele origin: germline.
Comment: The c.140C>T variant in PMM2 is a missense variant predicted to cause substitution of serine to leucine at amino acid 47. This variant is rare in the general population with a frequency below the threshold expected for the associated phenotype(s). This variant has been observed in one or more individuals affected with the associated recessive disease, as either homozygous or compound heterozygous with a second variant (PMID: 38959600, 38587076, 33743737, 32635232, 36719165). This variant has been identified in one or more affected individuals with a phenotype highly consistent with the associated gene (PMID:39105373). Computational prediction algorithms indicate this variant is likely to affect gene or protein function. Given the available evidence, this variant is classified as Likely Pathogenic.

PreventionGenetics, part of Exact Sciences
Classification: Uncertain significance for PMM2-related condition. Last evaluated: 2025-04-14. Review status: criteria provided, single submitter. Criteria: ACMG Guidelines, 2015. Collection method: clinical testing. Allele origin: germline.
Comment: The PMM2 c.140C>T variant is predicted to result in the amino acid substitution p.Ser47Leu. This variant has been reported with a rare missense variant c.98A>C (p.Gln33Pro) (which has uncertain clinical significance currently but could be pathogenic) in individuals with congenital disorder of glycosylation (Starosta et al. 2021. PubMed ID: 33413482; Vaes et al. 2021. PubMed ID: 34828263; Weixel et al. 2025. PubMed ID: 39105373). This variant was also reported with a pathogenic missense variant c.691G>A (p.Val231Met) in an individual with PMM2-related phenotypes (presumably congenital disorder of glycosylation) in a large whole genome sequencing study of patients with rare diseases (Table S7, Stranneheim et al. 2021. PubMed ID: 33726816). The c.140C>T (p.Ser47Leu) variant is reported in 0.0086% of alleles in individuals of European (Non-Finnish) descent in gnomAD. Although we suspect that this variant could be pathogenic, at this time, the clinical significance of this variant is uncertain due to the absence of conclusive functional and genetic evidence.

Mayo Clinic Laboratories, Mayo Clinic
Classification: Likely pathogenic. Last evaluated: 2025-01-17. Review status: criteria provided, single submitter. Criteria: ACMG Guidelines, 2015. Collection method: clinical testing. Allele origin: germline. Observed: 1 variant allele.
Comment: PP3_moderate, PM2_supporting, PM3, PS4

Blueprint Genetics
Classification: Uncertain significance. Last evaluated: 2024-08-01. Review status: criteria provided, single submitter. Criteria: ACMG Guidelines, 2015. Collection method: clinical testing. Allele origin: germline.

CeGaT Center for Human Genetics Tuebingen
Classification: Likely pathogenic. Last evaluated: 2024-02-01. Review status: criteria provided, single submitter. Criteria: CeGaT Center For Human Genetics Tuebingen Variant Classification Criteria Version 2. Collection method: clinical testing. Allele origin: germline. Affected: yes. Observed: 1 variant allele.
Comment: PMM2: PM2, PM3, PP4:Moderate

Labcorp Genetics (formerly Invitae), Labcorp
Classification: Uncertain significance for PMM2-congenital disorder of glycosylation. Last evaluated: 2022-08-09. Review status: criteria provided, single submitter. Criteria: Invitae Variant Classification Sherloc (09022015). Collection method: clinical testing. Allele origin: germline.
Comment: This sequence change replaces serine, which is neutral and polar, with leucine, which is neutral and non-polar, at codon 47 of the PMM2 protein (p.Ser47Leu). This variant is present in population databases (rs138306798, gnomAD 0.009%). This missense change has been observed in individual(s) with PMM2-congenital disorders of glycosylation (PMID: 33413482). Algorithms developed to predict the effect of missense changes on protein structure and function (SIFT, PolyPhen-2, Align-GVGD) all suggest that this variant is likely to be disruptive. In summary, the available evidence is currently insufficient to determine the role of this variant in disease. Therefore, it has been classified as a Variant of Uncertain Significance.

Literature cited by the submitters: PubMed 38959600 (cited by Natera, Inc.); PubMed 38587076 (cited by Natera, Inc.); PubMed 33743737 (cited by Natera, Inc.); PubMed 32635232 (cited by Natera, Inc. and Mayo Clinic Laboratories, Mayo Clinic); PubMed 36719165 (cited by Natera, Inc. and Mayo Clinic Laboratories, Mayo Clinic); PubMed 39105373 (cited by Natera, Inc. and Mayo Clinic Laboratories, Mayo Clinic); PubMed 33413482 (cited by Mayo Clinic Laboratories, Mayo Clinic and Labcorp Genetics (formerly Invitae), Labcorp); PubMed 34828263 (cited by Mayo Clinic Laboratories, Mayo Clinic); PubMed 37224763 (cited by Mayo Clinic Laboratories, Mayo Clinic).

NM_000303.3(PMM2):c.140C>T (p.Ser47Leu)

Gene: PMM2 (phosphomannomutase 2; plus strand). Cytogenetic location: 16p13.2.
Variant type: single nucleotide variant.
Coding change: c.140C>T on transcript NM_000303.3 (MANE Select); coding-DNA position 140, C replaced by T.
Protein change: p.Ser47Leu; replaces serine 47 with leucine.
Molecular consequence: missense variant.
Genome position (GRCh38, 1-based): chr16:8,801,872, C>T. VCF-style: chr16-8801872-C-T. GRCh37 (hg19) VCF-style: chr16-8895729-C-T.
Other names: p.Ser47Leu; c.140C>T (NM_000303.2); short protein forms S47L.
Identifiers: ClinVar variation 2161073 (VCV002161073.27), dbSNP rs138306798, ClinGen allele CA7893904.